The following is an entry in ClinVar:

ClinVar aggregate classification (germline): Uncertain significance (1 of 4 stars; one submission).

Submission:

GeneDx
Classification: Uncertain significance. Last evaluated: 2020-08-27. Review status: criteria provided, single submitter. Criteria: GeneDx Variant Classification Process June 2021. Collection method: clinical testing. Allele origin: germline. Affected: yes.
Comment: Not observed in large population cohorts (Lek et al., 2016); In silico analysis, which includes protein predictors and evolutionary conservation, supports a deleterious effect; Has not been previously published as pathogenic or benign to our knowledge

NM_001002295.2(GATA3):c.1013T>C (p.Val338Ala)

Gene: GATA3 (GATA binding protein 3; plus strand). Cytogenetic location: 10p14.
Variant type: single nucleotide variant.
Coding change: c.1013T>C on transcript NM_001002295.2 (MANE Select); coding-DNA position 1013, T replaced by C.
Protein change: p.Val338Ala; replaces valine 338 with alanine.
Molecular consequence: missense variant.
Genome position (GRCh38, 1-based): chr10:8,069,561, T>C. VCF-style: chr10-8069561-T-C. GRCh37 (hg19) VCF-style: chr10-8111524-T-C.
Other names: c.1010T>C, p.Val337Ala (NM_002051.3); short protein forms V337A, V338A.
Identifiers: ClinVar variation 1311734 (VCV001311734.2), dbSNP rs2131512152, ClinGen allele CA375975110.